The following is an entry in ClinVar:

NM_000451.4(SHOX):c.400C>A (p.Arg134=)

Genes: SHOX (SHOX homeobox; plus strand), LOC107652445 (meiotic recombination hotspot SHOX; plus strand). Cytogenetic location: Xp22.33.
Variant type: single nucleotide variant.
Coding change: c.400C>A on transcript NM_000451.4 (MANE Select); coding-DNA position 400, C replaced by A.
Protein change: p.Arg134=; no amino-acid change (arginine 134 retained).
Molecular consequence: synonymous variant.
Genome position (GRCh38, 1-based): chrX:634,740, C>A. VCF-style: chrX-634740-C-A. GRCh37 (hg19) VCF-style: chrX-595475-C-A.
Other names: c.400C>A, p.Arg134= (NM_006883.2).
Identifiers: ClinVar variation 36775 (VCV000036775.8), dbSNP rs193922467, ClinGen allele CA214250.
Genomic context (GRCh38, chrX:634,740, plus strand): 5'-AAGCTGAAACAGAGGCGCAGCCGCACCAACTTCACGCTGGAGCAGCTGAACGAGCTCGAG[C>A]GACTCTTCGACGAGACCCATTACCCCGACGCCTTCATGCGCGAGGAGCTCAGCCAGCGCC-3'
Protein context (NP_000442.1, residues 124-144): FTLEQLNELE[Arg134=]LFDETHYPDA

ClinVar aggregate classification (germline): Benign/Likely benign. Review status: criteria provided, multiple submitters, no conflicts (2 of 4 stars). 4 submissions from 4 submitters: Benign (2); Likely benign (2). Last evaluated 2021-11-22.

Conditions:
Connective tissue disorder. Also called: Connective tissue disease. Identifiers: MedGen C0009782, MONDO:0003900.
SHOX-related short stature. Also called: SHORT STATURE, IDIOPATHIC, X-LINKED. Identifiers: Orphanet 314795, MedGen C1845118, MONDO:0010367, OMIM 300582. Disease mechanism: loss of function.

Allele frequency attached by ClinVar (database versions not stated): ExAC 0.00275; 1000 Genomes Project 30x 0.00291; 1000 Genomes Project 0.00318; gnomAD 0.00001 and 0.00054; TOPMed 0.00012; gnomAD exomes 0.00090 and 0.00203.
gnomAD v4.1: 1,411 of 1,612,440 alleles (0.088%); highest among the groups gnomAD compares: South Asian, 1.5%; 22 homozygotes.

Submissions (4):

Genome Diagnostics Laboratory, The Hospital for Sick Children
Classification: Benign for Connective tissue disorder. Last evaluated: 2021-11-22. Review status: criteria provided, single submitter. Criteria: ACMG Guidelines, 2015. Collection method: clinical testing. Allele origin: germline.

Athena Diagnostics
Classification: Benign. Last evaluated: 2017-10-16. Review status: criteria provided, single submitter. Criteria: Athena Diagnostics Criteria. Collection method: clinical testing. Allele origin: germline.

Women's Health and Genetics/Laboratory Corporation of America, LabCorp
Classification: Likely benign for Short Stature. Last evaluated: 2011-08-18. Review status: criteria provided, single submitter. Criteria: LabCorp Variant Classification Summary - May 2015. Collection method: curation, clinical testing. Allele origin: germline. Inheritance: autosomal unknown. Affected: yes.
ClinVar note: Converted during submission from likely benign to Likely benign.

Breakthrough Genomics
Classification: Likely benign. Review status: criteria provided, single submitter. Criteria: ACMG Guidelines, 2015. Collection method: not provided. Allele origin: germline. Inheritance: Other. Affected: yes.